The following is an entry in ClinVar:

NM_001370658.1(BTD):c.40_44delinsC (p.Gly14fs)

Gene: BTD (biotinidase; plus strand). Cytogenetic location: 3p25.1.
Variant type: Indel.
Coding change: c.40_44delinsC on transcript NM_001370658.1 (MANE Select); coding-DNA positions 40 to 44, GGCTG replaced by C.
Protein change: p.Gly14fs; shifts the reading frame from glycine 14.
Molecular consequence: frameshift variant.
Genome position (GRCh38, 1-based): chr3:15,635,479-15,635,483, GGCTG replaced by C. VCF-style: chr3-15635479-GGCTG-C. GRCh37 (hg19) VCF-style: chr3-15676986-GGCTG-C.
Other names: c.40_44delinsC, p.Gly14fs (NM_001407376.1, NM_001407377.1, NM_001407378.1 and 37 more transcripts); short protein forms G14fs.
Identifiers: ClinVar variation 4852651 (VCV004852651.3).

ClinVar aggregate classification (germline): Pathogenic. Review status: criteria provided, multiple submitters, no conflicts (2 of 4 stars). 2 submissions from 2 submitters: Pathogenic (2). Last evaluated 2026-04-11.

Conditions:
Biotinidase deficiency. Also called: BTD deficiency; Late-onset biotin-responsive multiple carboxylase deficiency; Biotin deficiency. Identifiers: Orphanet 79241, MedGen C0220754, MONDO:0009665, OMIM 253260.

Submissions (2):

Myriad Genetics, Inc.
Classification: Pathogenic for Biotinidase deficiency. Last evaluated: 2026-04-11. Review status: criteria provided, single submitter. Criteria: Myriad Autosomal Dominant, Autosomal Recessive and X-Linked Classification Criteria (2023). Collection method: clinical testing. Allele origin: unknown.
Comment: NM_000060.2(BTD):c.100_104del5ins1(G34Lfs*35) is expected to be pathogenic in the context of biotinidase deficiency. This variant is predicted to lead to an abnormal or absent protein product due to the creation of a premature termination codon in BTD, a gene where loss-of-function variants are known to be pathogenic. Please note: this variant was assessed in the context of healthy population screening.

Dasa
Classification: Pathogenic. Last evaluated: 2026-02-11. Review status: criteria provided, single submitter. Criteria: DASA Assertion Criteria. Collection method: clinical testing. Allele origin: germline.
Comment: NM_001370658.1(BTD):c.40_44delinsC (p.Gly14Leufs*35) is a frameshift variant in BTD predicted to alter the reading frame and introduce a premature termination codon and is predicted to result in an absent or altered protein product. Loss of function is an established disease mechanism for BTD-associated disorders. This variant has been recurrently observed in individuals with BTD-related disorders (PMID: 15776412; PMID: 22975760; PMID: 22011816; PMID: 31973013). Also, this variant is rare in population databases. Based on the currently available evidence, this variant is classified as pathogenic.

Literature cited by the submitters: PubMed 15776412 (cited by Dasa); PubMed 22975760 (cited by Dasa); PubMed 22011816 (cited by Dasa); PubMed 31973013 (cited by Dasa).